The following is an entry in ClinVar:

ClinVar aggregate classification (germline): Pathogenic/Likely pathogenic. Review status: criteria provided, multiple submitters, no conflicts (2 of 4 stars). 3 submissions from 3 submitters: Pathogenic (2); Likely pathogenic (1). Last evaluated 2023-05-15.

Conditions:
APC-related disorder. Also called: APC-related condition.
Familial adenomatous polyposis 1 (FAP1). Also called: POLYPOSIS, ADENOMATOUS INTESTINAL; FAMILIAL ADENOMATOUS POLYPOSIS 1, ATTENUATED. Identifiers: MedGen C2713442, MONDO:0021056, OMIM 175100. Disease mechanism: loss of function.

Submissions (3):

Myriad Genetics, Inc.
Classification: Pathogenic for Familial adenomatous polyposis 1. Last evaluated: 2023-05-15. Review status: criteria provided, single submitter. Criteria: Myriad Autosomal Dominant, Autosomal Recessive and X-Linked Classification Criteria (2023). Collection method: clinical testing. Allele origin: unknown.
Comment: This variant is considered pathogenic. This variant creates a frameshift predicted to result in premature protein truncation.

PreventionGenetics, part of Exact Sciences
Classification: Likely pathogenic for APC-related condition. Last evaluated: 2023-03-28. Review status: criteria provided, single submitter. Criteria: ACMG Guidelines, 2015. Collection method: clinical testing. Allele origin: germline.
Comment: The APC c.5834delC variant is predicted to result in a frameshift and premature protein termination (p.Ala1945Glufs*25). To our knowledge, this variant has not been reported in the literature or in a large population database, indicating this variant is rare. Frameshift variants in APC are expected to be pathogenic, and others have been documented as causative both up and downstream. This variant is interpreted as likely pathogenic.

Labcorp Genetics (formerly Invitae), Labcorp
Classification: Pathogenic for Familial adenomatous polyposis 1. Last evaluated: 2019-07-27. Review status: criteria provided, single submitter. Criteria: Invitae Variant Classification Sherloc (09022015). Collection method: clinical testing. Allele origin: germline.
Comment: A different truncation (p.Tyr2645Lysfs*14) that lies downstream of this variant has been determined to be pathogenic (PMID: 9824584, 1316610, 27081525, 8381579, 22135120, Invitae). This suggests that deletion of this region of the APC protein is causative of disease For these reasons, this variant has been classified as Pathogenic. This variant is expected to disrupt the EB1 and HDLG binding sites, which mediate interactions with the cytoskeleton (PMID: 15311282, 17293347). While functional studies have not been performed to directly test the effect on APC protein function, this suggests that disruption of the C-terminal portion of the protein is functionally important. This variant has not been reported in the literature in individuals with APC-related conditions. This variant is not present in population databases (ExAC no frequency). This sequence change results in a premature translational stop signal in the APC gene (p.Ala1945Glufs*25). While this is not anticipated to result in nonsense mediated decay, it is expected to disrupt the last 899 amino acids of the APC protein.

Literature cited by the submitters: PubMed 9824584 (cited by Labcorp Genetics (formerly Invitae), Labcorp); PubMed 1316610 (cited by Labcorp Genetics (formerly Invitae), Labcorp); PubMed 27081525 (cited by Labcorp Genetics (formerly Invitae), Labcorp); PubMed 8381579 (cited by Labcorp Genetics (formerly Invitae), Labcorp); PubMed 22135120 (cited by Labcorp Genetics (formerly Invitae), Labcorp); PubMed 15311282 (cited by Labcorp Genetics (formerly Invitae), Labcorp); PubMed 17293347 (cited by Labcorp Genetics (formerly Invitae), Labcorp).

NM_000038.6(APC):c.5834del (p.Ala1945fs)

Gene: APC (APC regulator of Wnt signaling pathway; plus strand). Cytogenetic location: 5q22.2.
Variant type: Deletion.
Coding change: c.5834del on transcript NM_000038.6 (MANE Select); coding-DNA position 5834, one base deleted (C; older notation c.5834delC).
Protein change: p.Ala1945fs; shifts the reading frame from alanine 1945.
Molecular consequence: frameshift variant.
Genome position (GRCh38, 1-based): chr5:112,841,428, C deleted. VCF-style (leftmost placement, unchanged base first): chr5-112841427-GC-G. GRCh37 (hg19) VCF-style: chr5-112177124-GC-G.
Other names: c.5834delC (NM_000038.5); c.5834del, p.Ala1945fs (NM_001127510.3, NM_001354895.2); c.5780del, p.Ala1927fs (NM_001127511.3); c.5888del, p.Ala1963fs (NM_001354896.2); c.5864del, p.Ala1955fs (NM_001354897.2); c.5759del, p.Ala1920fs (NM_001354898.2); c.5750del, p.Ala1917fs (NM_001354899.2); c.5711del, p.Ala1904fs (NM_001354900.2); and 6 more; short protein forms A1662fs, A1844fs, A1785fs, A1854fs, A1904fs, A1920fs, A1927fs, A1963fs.
Identifiers: ClinVar variation 946277 (VCV000946277.13), dbSNP rs1766061264, ClinGen allele CA1139659022.